The following is an entry in ClinVar:

ClinVar aggregate classification (germline): Uncertain significance (1 of 4 stars; one submission).

Submission:

Labcorp Genetics (formerly Invitae), Labcorp
Classification: Uncertain significance. Last evaluated: 2020-03-07. Review status: criteria provided, single submitter. Criteria: Invitae Variant Classification Sherloc (09022015). Collection method: clinical testing. Allele origin: germline.
Comment: This sequence change replaces alanine with valine at codon 3117 of the SZT2 protein (p.Ala3117Val). The alanine residue is highly conserved and there is a small physicochemical difference between alanine and valine. In summary, the available evidence is currently insufficient to determine the role of this variant in disease. Therefore, it has been classified as a Variant of Uncertain Significance. Algorithms developed to predict the effect of missense changes on protein structure and function output the following: SIFT: "Tolerated"; PolyPhen-2: "Benign"; Align-GVGD: "Class C0". The valine amino acid residue is found in multiple mammalian species, suggesting that this missense change does not adversely affect protein function. These predictions have not been confirmed by published functional studies and their clinical significance is uncertain. This variant has not been reported in the literature in individuals with SZT2-related disease. This variant is not present in population databases (ExAC no frequency).

NM_001365999.1(SZT2):c.9521C>T (p.Ala3174Val)

Genes: SZT2 (SZT2 subunit of KICSTOR complex; plus strand), SZT2-AS1 (SZT2 antisense RNA 1; minus strand). Cytogenetic location: 1p34.2.
Variant type: single nucleotide variant.
Coding change: c.9521C>T on transcript NM_001365999.1 (MANE Select); coding-DNA position 9521, C replaced by T.
Protein change: p.Ala3174Val; replaces alanine 3174 with valine.
Molecular consequence: missense variant. On other transcripts: non-coding transcript variant (1).
Genome position (GRCh38, 1-based): chr1:43,447,929, C>T. VCF-style: chr1-43447929-C-T. GRCh37 (hg19) VCF-style: chr1-43913600-C-T.
Other names: c.9350C>T, p.Ala3117Val (NM_015284.4); short protein forms A3117V, A3174V.
Identifiers: ClinVar variation 857440 (VCV000857440.9), dbSNP rs1655880724, ClinGen allele CA340043567.